The following is an entry in ClinVar:

ClinVar aggregate classification (germline): Uncertain significance (1 of 4 stars; one submission).

Conditions:
Hereditary breast ovarian cancer syndrome. Also called: Hereditary breast and ovarian cancer; BRCA1- and BRCA2-Associated Hereditary Breast and Ovarian Cancer; Hereditary breast and ovarian cancer syndrome; Breast and ovarian cancer; Hereditary breast and ovarian cancer syndrome (HBOC); Hereditary breast and/or ovarian cancer syndrome. Identifiers: Orphanet 145, MedGen C0677776, MeSH D061325, MONDO:0003582. Disease mechanism: loss of function.

Submission:

Labcorp Genetics (formerly Invitae), Labcorp
Classification: Uncertain significance for Hereditary breast ovarian cancer syndrome. Last evaluated: 2022-12-10. Review status: criteria provided, single submitter. Criteria: Invitae Variant Classification Sherloc (09022015). Collection method: clinical testing. Allele origin: germline.
Comment: In summary, the available evidence is currently insufficient to determine the role of this variant in disease. Therefore, it has been classified as a Variant of Uncertain Significance. Advanced modeling of protein sequence and biophysical properties (such as structural, functional, and spatial information, amino acid conservation, physicochemical variation, residue mobility, and thermodynamic stability) performed at Invitae indicates that this missense variant is not expected to disrupt BRCA2 protein function. This variant has not been reported in the literature in individuals affected with BRCA2-related conditions. This variant is not present in population databases (gnomAD no frequency). This sequence change replaces threonine, which is neutral and polar, with arginine, which is basic and polar, at codon 119 of the BRCA2 protein (p.Thr119Arg).

NM_000059.4(BRCA2):c.356C>G (p.Thr119Arg)

Gene: BRCA2 (BRCA2 DNA repair associated; plus strand). Cytogenetic location: 13q13.1.
Variant type: single nucleotide variant.
Coding change: c.356C>G on transcript NM_000059.4 (MANE Select); coding-DNA position 356, C replaced by G.
Protein change: p.Thr119Arg; replaces threonine 119 with arginine.
Molecular consequence: missense variant. On other transcripts: 5 prime UTR variant (1), non-coding transcript variant (1).
Genome position (GRCh38, 1-based): chr13:32,325,115, C>G. VCF-style: chr13-32325115-C-G. GRCh37 (hg19) VCF-style: chr13-32899252-C-G.
Other names: c.356C>G, p.Thr119Arg (NM_001406719.1, NM_001406720.1, NM_001406721.1); c.-14C>G (NM_001406722.1); short protein forms T119R.
Identifiers: ClinVar variation 2819803 (VCV002819803.3), dbSNP rs1566218152, ClinGen allele CA387756602.
Genomic context (GRCh38, chr13:32,325,115, plus strand): 5'-TGAATTATTGTACTGTTTCAGGAAGGAATGTTCCCAATAGTAGACATAAAAGTCTTCGCA[C>G]AGTGAAAACTAAAATGGATCAAGCAGATGATGTTTCCTGTCCACTTCTAAATTCTTGTCT-3'
Protein context (NP_000050.3, residues 109-129): VPNSRHKSLR[Thr119Arg]VKTKMDQADD